The following is an entry in ClinVar:

ClinVar aggregate classification (germline): Pathogenic/Likely pathogenic. Review status: criteria provided, multiple submitters, no conflicts (2 of 4 stars). 5 submissions from 5 submitters: Pathogenic (2); Likely pathogenic (2). 1 of the submissions does not count toward it. Last evaluated 2025-03-12.

Conditions:
Peroxisome biogenesis disorder 6A (Zellweger). Also called: Peroxisome biogenesis disorder 6A. Identifiers: Orphanet 912, MedGen C3553947, MONDO:0013936, OMIM 614870.
Peroxisome biogenesis disorder 6B (PBD6B). Identifiers: Orphanet 44, MedGen C3553948, MONDO:0013937, OMIM 614871.
Zellweger spectrum disorders (ZS). Also called: Zellweger syndrome; Zellweger Spectrum Disorder; Zellweger Spectrum; Zellweger Spectrum Disorder (ZSD). Identifiers: Orphanet 912, MedGen C0043459, MONDO:0019609.
Peroxisome biogenesis disorder, complementation group 7 (CG7). Also called: Peroxisome biogenesis disorder, complementation group B. Identifiers: MedGen C1864399.

Submissions (5):

Natera, Inc.
Classification: Likely pathogenic for Zellweger syndrome. Last evaluated: 2025-03-12. Review status: criteria provided, single submitter. Criteria: Natera Variant Classification Schema (03/2026). Collection method: clinical testing. Allele origin: germline.
Comment: The c.815_816delAC variant in PEX10 is a frameshift variant predicted to elongate the protein beyond the termination codon. This variant is expected to result in nonsense mediated decay, truncation, or a dysfunctional protein product. This variant is rare in the general population with a frequency below the threshold expected for the associated phenotype(s). Given the available evidence, this variant is classified as Likely Pathogenic.

Labcorp Genetics (formerly Invitae), Labcorp
Classification: Pathogenic for Peroxisome biogenesis disorder, complementation group 7. Last evaluated: 2024-03-26. Review status: criteria provided, single submitter. Criteria: Invitae Variant Classification Sherloc (09022015). Collection method: clinical testing. Allele origin: germline.
Comment: This sequence change results in a frameshift in the PEX10 gene (p.His272Profs*86). While this is not anticipated to result in nonsense mediated decay, it is expected to disrupt the last 75 amino acid(s) of the PEX10 protein and extend the protein by 10 additional amino acid residues. This variant is not present in population databases (gnomAD no frequency). This variant has not been reported in the literature in individuals affected with PEX10-related conditions. ClinVar contains an entry for this variant (Variation ID: 550383). This variant disrupts a region of the PEX10 protein in which other variant(s) (p.Arg331Gln) have been determined to be pathogenic (PMID: 20695019, 27230853). This suggests that this is a clinically significant region of the protein, and that variants that disrupt it are likely to be disease-causing. For these reasons, this variant has been classified as Pathogenic.

Baylor Genetics
Classification: Likely pathogenic for Peroxisome biogenesis disorder 6A (Zellweger). Last evaluated: 2023-02-18. Review status: criteria provided, single submitter. Criteria: ACMG Guidelines, 2015. Collection method: clinical testing. Allele origin: unknown.

Revvity Omics, Revvity
Classification: Pathogenic. Last evaluated: 2019-09-11. Review status: criteria provided, single submitter. Criteria: ACMG Guidelines, 2015. Collection method: clinical testing. Allele origin: germline.

Counsyl
Classification: Likely pathogenic for Peroxisome biogenesis disorder 6A (Zellweger); Peroxisome biogenesis disorder 6B. Last evaluated: 2017-01-20. Review status: no assertion criteria provided. Collection method: clinical testing. Allele origin: unknown. Not counted in ClinVar's aggregate classification.

Literature cited by the submitters: PubMed 20695019 (cited by Labcorp Genetics (formerly Invitae), Labcorp); PubMed 27230853 (cited by Labcorp Genetics (formerly Invitae), Labcorp); PubMed 7565793 (cited by Counsyl).

NM_002617.4(PEX10):c.755_756del (p.His252fs)

Gene: PEX10 (peroxisomal biogenesis factor 10; minus strand). Cytogenetic location: 1p36.32.
Variant type: Deletion.
Coding change: c.755_756del on transcript NM_002617.4 (MANE Select); coding-DNA positions 755 to 756, 2 bases deleted (AC; older notation c.755_756delAC).
Protein change: p.His252fs; shifts the reading frame from histidine 252.
Molecular consequence: frameshift variant. On other transcripts: non-coding transcript variant (1).
Genome position (GRCh38, 1-based): chr1:2,406,740-2,406,741, GT deleted on the plus strand (AC on the coding strand, the reverse complement: PEX10 is on the minus strand); deleting any 2 consecutive bases within chr1:2,406,740-2,406,742 gives the same sequence; the c. name uses the placement nearest the transcript's 3' end. VCF-style (leftmost placement, unchanged base first): chr1-2406739-GGT-G. GRCh37 (hg19) VCF-style: chr1-2338178-GGT-G.
Other names: c.812_813del, p.His271fs (NM_001374425.1); c.380_381del, p.His127fs (NM_001374426.1); c.323_324del, p.His108fs (NM_001374427.1); c.815_816del, p.His272fs (NM_153818.2); c.815_816delAC (NM_153818.1); short protein forms H252fs, H272fs, H108fs, H127fs, H271fs.
Identifiers: ClinVar variation 550383 (VCV000550383.12), dbSNP rs1325771720, ClinGen allele CA658820968.
Genomic context (GRCh38, chr1:2,406,739, plus strand): 5'-CCAGGACACCCCCAGCCCCCATGTGTGGCCCCCGCACGCACCTGCGGTGAGACAGGCCGC[GGT>G]GCAGCCTCCACTCCTTCCTGGCTCGCTGCCGCTGCCTGAAACCGTACAGCTGCAGCCCCA-3'